The following is an entry in ClinVar:

ClinVar aggregate classification (germline): Pathogenic (1 of 4 stars; one submission).

Conditions:
Immunodeficiency, common variable, 7. Identifiers: Orphanet 1572, Orphanet 696894, MedGen C3542922, MONDO:0013862, OMIM 614699.

Allele frequency attached by ClinVar (database versions not stated): TOPMed below 0.00001.

Submission:

Labcorp Genetics (formerly Invitae), Labcorp
Classification: Pathogenic for Immunodeficiency, common variable, 7. Last evaluated: 2022-01-16. Review status: criteria provided, single submitter. Criteria: Invitae Variant Classification Sherloc (09022015). Collection method: clinical testing. Allele origin: germline.
Comment: For these reasons, this variant has been classified as Pathogenic. This variant has not been reported in the literature in individuals affected with CR2-related conditions. This variant is not present in population databases (gnomAD no frequency). This sequence change creates a premature translational stop signal (p.Trp138Glyfs*10) in the CR2 gene. It is expected to result in an absent or disrupted protein product. Loss-of-function variants in CR2 are known to be pathogenic (PMID: 26325596, 28499783).

Literature cited by the submitters: PubMed 26325596; PubMed 28499783.

NM_001006658.3(CR2):c.412del (p.Trp138fs)

Gene: CR2 (complement C3d receptor 2; plus strand). Cytogenetic location: 1q32.2.
Variant type: Deletion.
Coding change: c.412del on transcript NM_001006658.3 (MANE Select); coding-DNA position 412, one base deleted (T; older notation c.412delT).
Protein change: p.Trp138fs; shifts the reading frame from tryptophan 138.
Molecular consequence: frameshift variant.
Genome position (GRCh38, 1-based): chr1:207,466,879, T deleted. VCF-style (leftmost placement, unchanged base first): chr1-207466878-GT-G. GRCh37 (hg19) VCF-style: chr1-207640223-GT-G.
Other names: c.412del, p.Trp138fs (NM_001877.5); short protein forms W138fs.
Identifiers: ClinVar variation 2086090 (VCV002086090.4), dbSNP rs890412935, ClinGen allele CA36645730.